The following is an entry in ClinVar:

NM_024408.4(NOTCH2):c.6671T>C (p.Leu2224Ser)

Gene: NOTCH2 (notch receptor 2; minus strand). Cytogenetic location: 1p12.
Variant type: single nucleotide variant.
Coding change: c.6671T>C on transcript NM_024408.4 (MANE Select); coding-DNA position 6671, T replaced by C.
Protein change: p.Leu2224Ser; replaces leucine 2224 with serine.
Molecular consequence: missense variant.
Genome position (GRCh38, 1-based): chr1:119,916,051, A>G on the plus strand (T>C on the coding strand, the complement: NOTCH2 is on the minus strand). VCF-style: chr1-119916051-A-G. GRCh37 (hg19) VCF-style: chr1-120458674-A-G.
Other names: c.6671T>C (NM_024408.3); short protein forms L2224S.
Identifiers: ClinVar variation 2190952 (VCV002190952.5), dbSNP rs1649055723, ClinGen allele CA341876757.
Genomic context (GRCh38, chr1:119,916,051, plus strand): 5'-AGCCTACTCAAGCTTCCAGCACTGCCACTGCCTGGAGACACAATGTGGTGGTGGGATAGC[A>G]ACTGGCTCACTGAGGGAAGCACAGTGCTGGCCCCATGTGCCAAAGGCTGCATTTCATGAA-3'
Protein context (NP_077719.2, residues 2214-2234): ASTVLPSVSQ[Leu2224Ser]LSHHHIVSPG

ClinVar aggregate classification (germline): Uncertain significance. Review status: criteria provided, multiple submitters, no conflicts (2 of 4 stars). 2 submissions from 2 submitters: Uncertain significance (2). Last evaluated 2025-12-16.

Conditions:
Hajdu-Cheney syndrome (HJCYS). Also called: ACROOSTEOLYSIS WITH OSTEOPOROSIS AND CHANGES IN SKULL AND MANDIBLE; SERPENTINE FIBULA-POLYCYSTIC KIDNEY SYNDROME; Acroosteolysis dominant type. Identifiers: Orphanet 955, MedGen C0917715, MONDO:0007057, OMIM 102500.

Submissions (2):

Labcorp Genetics (formerly Invitae), Labcorp
Classification: Uncertain significance for Hajdu-Cheney syndrome. Last evaluated: 2025-12-16. Review status: criteria provided, single submitter. Criteria: Invitae Variant Classification Sherloc (09022015). Collection method: clinical testing. Allele origin: germline.
Comment: This sequence change replaces leucine, which is neutral and non-polar, with serine, which is neutral and polar, at codon 2224 of the NOTCH2 protein (p.Leu2224Ser). This variant is not present in population databases (gnomAD no frequency). This variant has not been reported in the literature in individuals affected with NOTCH2-related conditions. ClinVar contains an entry for this variant (Variation ID: 2190952). Invitae Evidence Modeling of protein sequence and biophysical properties (such as structural, functional, and spatial information, amino acid conservation, physicochemical variation, residue mobility, and thermodynamic stability) indicates that this missense variant is not expected to disrupt NOTCH2 protein function with a negative predictive value of 80%. In summary, the available evidence is currently insufficient to determine the role of this variant in disease. Therefore, it has been classified as a Variant of Uncertain Significance.

GeneDx
Classification: Uncertain significance. Last evaluated: 2022-12-01. Review status: criteria provided, single submitter. Criteria: GeneDx Variant Classification Process June 2021. Collection method: clinical testing. Allele origin: germline. Affected: yes.
Comment: Not observed at significant frequency in large population cohorts (gnomAD); In silico analysis supports that this missense variant does not alter protein structure/function; Has not been previously published as pathogenic or benign to our knowledge